The following is an entry in ClinVar:

NM_000256.3(MYBPC3):c.1370C>T (p.Thr457Met)

Gene: MYBPC3 (myosin binding protein C3; minus strand). Cytogenetic location: 11p11.2.
Variant type: single nucleotide variant.
Coding change: c.1370C>T on transcript NM_000256.3 (MANE Select); coding-DNA position 1370, C replaced by T.
Protein change: p.Thr457Met; replaces threonine 457 with methionine.
Molecular consequence: missense variant.
Genome position (GRCh38, 1-based): chr11:47,342,917, G>A on the plus strand (C>T on the coding strand, the complement: MYBPC3 is on the minus strand). VCF-style: chr11-47342917-G-A. GRCh37 (hg19) VCF-style: chr11-47364468-G-A.
Other names: c.1370C>T, p.Thr457Met (LRG_386t1); short protein forms T457M.
Identifiers: ClinVar variation 161314 (VCV000161314.23), dbSNP rs370538243, ClinGen allele CA010187.

ClinVar aggregate classification (germline): Benign/Likely benign. Review status: criteria provided, multiple submitters, no conflicts (2 of 4 stars). 7 submissions from 7 submitters: Benign (3); Likely benign (3). 1 of the submissions does not count toward it. Last evaluated 2025-12-03.

Conditions:
Cardiovascular phenotype. Identifiers: MedGen CN230736.
Cardiomyopathy (CMYO). Also called: Cardiomyopathies. Identifiers: Orphanet 167848, MedGen C0878544, MONDO:0004994, HP:0001638. Inheritance: Various modes of inheritance.
Primary familial hypertrophic cardiomyopathy (HCM). Identifiers: Orphanet 99739, MedGen C0949658, MeSH D024741, MONDO:0024573. Inheritance: Various modes of inheritance.
Hypertrophic cardiomyopathy. Also called: HYPERTROPHIC MYOCARDIOPATHY. Identifiers: Orphanet 217569, MedGen C0007194, MeSH D002312, MONDO:0005045, HP:0001639.

Allele frequency attached by ClinVar (database versions not stated): TOPMed 0.00003; gnomAD 0.00004 and 0.00007; ESP Exome Variant Server 0.00008; ExAC 0.00020; gnomAD exomes 0.00020.
gnomAD v4.1: 177 of 1,611,942 alleles (0.011%); highest among the groups gnomAD compares: South Asian, 0.16%; 1 homozygote.

Submissions (7):

Labcorp Genetics (formerly Invitae), Labcorp
Classification: Likely benign for Hypertrophic cardiomyopathy. Last evaluated: 2025-12-03. Review status: criteria provided, single submitter. Criteria: Invitae Variant Classification Sherloc (09022015). Collection method: clinical testing. Allele origin: germline.

ARUP Laboratories, Molecular Genetics and Genomics, ARUP Laboratories
Classification: Likely benign. Last evaluated: 2025-07-23. Review status: criteria provided, single submitter. Criteria: ARUP Molecular Germline Variant Investigation Process 2024. Collection method: clinical testing. Allele origin: germline.

Blueprint Genetics
Classification: Benign. Last evaluated: 2023-07-17. Review status: criteria provided, single submitter. Criteria: ACMG Guidelines, 2015. Collection method: clinical testing. Allele origin: germline.

CHEO Genetics Diagnostic Laboratory, Children's Hospital of Eastern Ontario
Classification: Benign for Cardiomyopathy. Last evaluated: 2022-12-01. Review status: criteria provided, single submitter. Criteria: ACMG Guidelines, 2015. Collection method: clinical testing. Allele origin: germline.

Ambry Genetics
Classification: Benign for Cardiovascular phenotype. Last evaluated: 2022-09-08. Review status: criteria provided, single submitter. Criteria: Ambry Variant Classification Scheme 2023. Collection method: clinical testing. Allele origin: germline.

Color Diagnostics, LLC DBA Color Health
Classification: Likely benign for Cardiomyopathy. Last evaluated: 2021-03-10. Review status: criteria provided, single submitter. Criteria: ACMG Guidelines, 2015. Collection method: clinical testing. Allele origin: germline.

CSER _CC_NCGL, University of Washington
Classification: Uncertain significance for Cardiomyopathy, hypertrophic. Last evaluated: 2014-06-01. Review status: no assertion criteria provided. Collection method: research. Allele origin: germline. Inheritance: Autosomal dominant inheritance. Study: ESP 6500 variant annotation. Not counted in ClinVar's aggregate classification.
Comment: Variants classified for the Actionable exomic incidental findings in 6503 participants: challenges of variant classification manuscript

Literature cited by the submitters: PubMed 18273486 (cited by Ambry Genetics).